The following is an entry in ClinVar:

ClinVar aggregate classification (germline): Uncertain significance (1 of 4 stars; one submission).

Allele frequency attached by ClinVar (database versions not stated): gnomAD exomes below 0.00001; TOPMed 0.00001.
gnomAD v4.1: 3 of 1,593,070 alleles (0.00019%); highest among the groups gnomAD compares: Admixed American, 0.0035%; no homozygotes.

Submission:

Labcorp Genetics (formerly Invitae), Labcorp
Classification: Uncertain significance. Last evaluated: 2025-03-20. Review status: criteria provided, single submitter. Criteria: Invitae Variant Classification Sherloc (09022015). Collection method: clinical testing. Allele origin: germline.
Comment: This sequence change replaces alanine, which is neutral and non-polar, with threonine, which is neutral and polar, at codon 1861 of the FAT4 protein (p.Ala1861Thr). This variant is present in population databases (no rsID available, gnomAD 0.003%). This variant has not been reported in the literature in individuals affected with FAT4-related conditions. ClinVar contains an entry for this variant (Variation ID: 1924969). Invitae Evidence Modeling of protein sequence and biophysical properties (such as structural, functional, and spatial information, amino acid conservation, physicochemical variation, residue mobility, and thermodynamic stability) indicates that this missense variant is not expected to disrupt FAT4 protein function with a negative predictive value of 95%. In summary, the available evidence is currently insufficient to determine the role of this variant in disease. Therefore, it has been classified as a Variant of Uncertain Significance.

NM_001291303.3(FAT4):c.5581G>A (p.Ala1861Thr)

Gene: FAT4 (FAT atypical cadherin 4; plus strand). Cytogenetic location: 4q28.1.
Variant type: single nucleotide variant.
Coding change: c.5581G>A on transcript NM_001291303.3 (MANE Select); coding-DNA position 5581, G replaced by A.
Protein change: p.Ala1861Thr; replaces alanine 1861 with threonine.
Molecular consequence: missense variant.
Genome position (GRCh38, 1-based): chr4:125,408,455, G>A. VCF-style: chr4-125408455-G-A. GRCh37 (hg19) VCF-style: chr4-126329610-G-A.
Other names: c.5581G>A, p.Ala1861Thr (NM_001291285.3, NM_024582.6); short protein forms A1861T.
Identifiers: ClinVar variation 1924969 (VCV001924969.4), dbSNP rs1296486092, ClinGen allele CA358123001.
Genomic context (GRCh38, chr4:125,408,455, plus strand): 5'-ATACTTCTTACTTCCTTGATTTTATACTATTAATTTATTCTTTTGATAGGTTCTTTGGTA[G>A]CAGCCATTTTAGCCACGGATGATGACTCTGGTGTGAATGGAGAAATTACATATATTGTGA-3'
Protein context (NP_001278232.1, residues 1851-1871): PEDTIPGSLV[Ala1861Thr]AILATDDDSG